The following is an entry in ClinVar:

NM_000426.4(LAMA2):c.4682del (p.Lys1561fs)

Gene: LAMA2 (laminin subunit alpha 2; plus strand). Cytogenetic location: 6q22.33.
Variant type: Deletion.
Coding change: c.4682del on transcript NM_000426.4 (MANE Select); coding-DNA position 4682, one base deleted (A; older notation c.4682delA).
Protein change: p.Lys1561fs; shifts the reading frame from lysine 1561.
Molecular consequence: frameshift variant.
Genome position (GRCh38, 1-based): chr6:129,353,322, A deleted; the last of 2 consecutive A bases (chr6:129,353,321-129,353,322); deleting either gives the same sequence. VCF-style (leftmost placement, unchanged base first): chr6-129353320-CA-C. GRCh37 (hg19) VCF-style: chr6-129674465-CA-C.
Other names: c.4682delA (NM_000426.3); c.4682del, p.Lys1561fs (NM_001079823.2); short protein forms K1561fs.
Identifiers: ClinVar variation 504010 (VCV000504010.13), dbSNP rs1246940477, ClinGen allele CA570205669.

ClinVar aggregate classification (germline): Pathogenic/Likely pathogenic. Review status: criteria provided, multiple submitters, no conflicts (2 of 4 stars). 4 submissions from 4 submitters: Pathogenic (2); Likely pathogenic (1). 1 of the submissions does not count toward it. Last evaluated 2026-09-11.

Conditions:
Merosin deficient congenital muscular dystrophy (MDC1A). Also called: Congenital merosin-deficient muscular dystrophy 1A; Congenital Muscular Dystrophy Type 1A (MDC1A). Identifiers: Orphanet 258, MedGen C1263858, MONDO:0011925, OMIM 607855.
LAMA2-related muscular dystrophy (LAMA2-RD). Also called: Laminin alpha 2-related dystrophy. Identifiers: MedGen C5679788, MONDO:0100228.
Congenital Muscular Dystrophy, LAMA2-related.

Submissions (4):

GeneDx
Classification: Likely pathogenic. Last evaluated: 2026-09-11. Review status: criteria provided, single submitter. Criteria: GeneDx Variant Classification Process June 2021. Collection method: clinical testing. Allele origin: germline.
Comment: Reported previously with a second variant in a patient with congenital muscular dystrophy; however, it was unknown if these variants were on the same allele (in cis) or on opposite alleles (in trans) (PMID: 38747280); Frameshift variant predicted to result in protein truncation or nonsense mediated decay in a gene for which loss of function is a known mechanism of disease; Not observed at a significant frequency in large population cohorts (gnomAD); This variant is associated with the following publications: (PMID: 38747280)

Dasa
Classification: Pathogenic. Last evaluated: 2022-08-10. Review status: criteria provided, single submitter. Criteria: ACMG Guidelines, 2015. Collection method: clinical testing. Allele origin: germline. Affected: yes. Observed: 1 variant allele.
Comment: The c.4682del;p.(Lys1561Serfs*34) is a null frameshift variant (NMD) in the LAMA2 gene and predicts alteration of the nonsense-mediate decay - NMD is present in a relevant exon to the transcript - PVS1.ClinVar contains an entry for this variant (ClinVar: ID 504010) - PS4_supporting. This variant is not present in population databases (rs1246940477- gnomAD; ABraOM no frequency) - PM2. In summary, the currently available evidence indicates that the variant is pathogenic.

Labcorp Genetics (formerly Invitae), Labcorp
Classification: Pathogenic for LAMA2-related muscular dystrophy. Last evaluated: 2022-06-23. Review status: criteria provided, single submitter. Criteria: Invitae Variant Classification Sherloc (09022015). Collection method: clinical testing. Allele origin: germline.
Comment: For these reasons, this variant has been classified as Pathogenic. ClinVar contains an entry for this variant (Variation ID: 504010). This variant has not been reported in the literature in individuals affected with LAMA2-related conditions. This variant is present in population databases (no rsID available, gnomAD 0.01%). This sequence change creates a premature translational stop signal (p.Lys1561Serfs*34) in the LAMA2 gene. It is expected to result in an absent or disrupted protein product. Loss-of-function variants in LAMA2 are known to be pathogenic (PMID: 18700894, 32904964).

Counsyl
Classification: Likely pathogenic for Merosin deficient congenital muscular dystrophy. Last evaluated: 2017-06-15. Review status: no assertion criteria provided. Collection method: clinical testing. Allele origin: unknown. Not counted in ClinVar's aggregate classification.

Literature cited by the submitters: PubMed 18700894 (cited by Labcorp Genetics (formerly Invitae), Labcorp); PubMed 32904964 (cited by Labcorp Genetics (formerly Invitae), Labcorp).